The following is an entry in ClinVar:

NM_000179.3(MSH6):c.2213T>G (p.Val738Gly)

Gene: MSH6 (mutS homolog 6; plus strand). Cytogenetic location: 2p16.3.
Variant type: single nucleotide variant.
Coding change: c.2213T>G on transcript NM_000179.3 (MANE Select); coding-DNA position 2213, T replaced by G.
Protein change: p.Val738Gly; replaces valine 738 with glycine.
Molecular consequence: missense variant.
Genome position (GRCh38, 1-based): chr2:47,800,196, T>G. VCF-style: chr2-47800196-T-G. GRCh37 (hg19) VCF-style: chr2-48027335-T-G.
Other names: c.1823T>G, p.Val608Gly (NM_001281492.2); c.1307T>G, p.Val436Gly (NM_001281493.2, NM_001281494.2); short protein forms V608G, V738G, V436G.
Identifiers: ClinVar variation 820903 (VCV000820903.10), dbSNP rs1572726232, ClinGen allele CA346752394.

ClinVar aggregate classification (germline): Uncertain significance. Review status: criteria provided, multiple submitters, no conflicts (2 of 4 stars). 2 submissions from 2 submitters: Uncertain significance (2). Last evaluated 2025-10-20.

Conditions:
Hereditary cancer-predisposing syndrome. Also called: Neoplastic Syndromes, Hereditary; Tumor predisposition; Hereditary Cancer Syndrome; Hereditary neoplastic syndrome. Identifiers: Orphanet 140162, MedGen C0027672, MeSH D009386, MONDO:0015356.

Submissions (2):

Ambry Genetics
Classification: Uncertain significance for Hereditary cancer-predisposing syndrome. Last evaluated: 2025-10-20. Review status: criteria provided, single submitter. Criteria: Ambry Variant Classification Scheme 2023. Collection method: clinical testing. Allele origin: germline.
Comment: The p.V738G variant (also known as c.2213T>G), located in coding exon 4 of the MSH6 gene, results from a T to G substitution at nucleotide position 2213. The valine at codon 738 is replaced by glycine, an amino acid with dissimilar properties. This amino acid position is highly conserved in available vertebrate species. In addition, this alteration is predicted to be deleterious by in silico analysis. Based on the available evidence, the clinical significance of this variant remains unclear.

Color Diagnostics, LLC DBA Color Health
Classification: Uncertain significance for Hereditary cancer-predisposing syndrome. Last evaluated: 2024-03-06. Review status: criteria provided, single submitter. Criteria: ACMG Guidelines, 2015. Collection method: clinical testing. Allele origin: germline.
Comment: This missense variant replaces valine with glycine at codon 738 of the MSH6 protein. Computational prediction tool suggests that this variant may have deleterious impact on protein structure and function (internally defined REVEL score threshold >= 0.7, PMID: 27666373). Splice site prediction tools suggest that this variant may not impact RNA splicing. To our knowledge, functional studies have not been performed for this variant. This variant has not been reported in individuals affected with hereditary cancer in the literature. This variant has not been identified in the general population by the Genome Aggregation Database (gnomAD). The available evidence is insufficient to determine the role of this variant in disease conclusively. Therefore, this variant is classified as a Variant of Uncertain Significance.